The following is an entry in ClinVar:

NM_001136191.3(KANK2):c.856G>A (p.Ala286Thr)

Gene: KANK2 (KN motif and ankyrin repeat domains 2; minus strand). Cytogenetic location: 19p13.2.
Variant type: single nucleotide variant.
Coding change: c.856G>A on transcript NM_001136191.3 (MANE Select); coding-DNA position 856, G replaced by A.
Protein change: p.Ala286Thr; replaces alanine 286 with threonine.
Molecular consequence: missense variant.
Genome position (GRCh38, 1-based): chr19:11,193,224, C>T on the plus strand (G>A on the coding strand, the complement: KANK2 is on the minus strand). VCF-style: chr19-11193224-C-T. GRCh37 (hg19) VCF-style: chr19-11303900-C-T.
Other names: c.856G>A, p.Ala286Thr (NM_001329451.2, NM_001379548.1, NM_001379549.1 and 15 more transcripts); c.856G>A (NM_015493.6); short protein forms A286T.
Identifiers: ClinVar variation 3629052 (VCV003629052.3).

ClinVar aggregate classification (germline): Conflicting classifications of pathogenicity. Review status: criteria provided, conflicting classifications (1 of 4 stars). 2 submissions from 2 submitters: Uncertain significance (1); Likely benign (1). Last evaluated 2025-06-18.

gnomAD v4.1: 18 of 1,609,428 alleles (0.0011%); highest among the groups gnomAD compares: East Asian, 0.0022%; no homozygotes.

Submissions (2):

Ambry Genetics
Classification: Likely benign. Last evaluated: 2025-06-18. Review status: criteria provided, single submitter. Criteria: Ambry Variant Classification Scheme 2023. Collection method: clinical testing. Allele origin: germline.

Labcorp Genetics (formerly Invitae), Labcorp
Classification: Uncertain significance. Last evaluated: 2024-04-16. Review status: criteria provided, single submitter. Criteria: Invitae Variant Classification Sherloc (09022015). Collection method: clinical testing. Allele origin: germline.
Comment: This sequence change replaces alanine, which is neutral and non-polar, with threonine, which is neutral and polar, at codon 286 of the KANK2 protein (p.Ala286Thr). This variant is present in population databases (rs374427245, gnomAD 0.005%). This variant has not been reported in the literature in individuals affected with KANK2-related conditions. Algorithms developed to predict the effect of missense changes on protein structure and function output the following: SIFT: "Not Available"; PolyPhen-2: "Benign"; Align-GVGD: "Not Available". The threonine amino acid residue is found in multiple mammalian species, which suggests that this missense change does not adversely affect protein function. In summary, the available evidence is currently insufficient to determine the role of this variant in disease. Therefore, it has been classified as a Variant of Uncertain Significance.